The following is an entry in ClinVar:

NM_020207.7(ERCC6L2):c.147G>T (p.Lys49Asn)

Gene: ERCC6L2 (ERCC excision repair 6 like 2; plus strand). Cytogenetic location: 9q22.32.
Variant type: single nucleotide variant.
Coding change: c.147G>T on transcript NM_020207.7 (MANE Select); coding-DNA position 147, G replaced by T.
Protein change: p.Lys49Asn; replaces lysine 49 with asparagine.
Molecular consequence: missense variant. On other transcripts: non-coding transcript variant (1).
Genome position (GRCh38, 1-based): chr9:95,880,969, G>T. VCF-style: chr9-95880969-G-T. GRCh37 (hg19) VCF-style: chr9-98643251-G-T.
Other names: c.147G>T, p.Lys49Asn (NM_001010895.4, NM_001375291.1, NM_001375292.1 and 2 more transcripts); short protein forms K49N.
Identifiers: ClinVar variation 4019277 (VCV004019277.1).
Genomic context (GRCh38, chr9:95,880,969, plus strand): 5'-AGATAATGGAAAACTTTGTGAAGCAAGCATAAAATCTATCACAGTGGATGAAAATGGCAA[G>T]TCATTTGCAGTCGTCTTATATGCAGATTTTCAAGAAAGGAAAATACCTCTTAAACAGCTT-3'
Protein context (NP_064592.3, residues 39-59): IKSITVDENG[Lys49Asn]SFAVVLYADF

ClinVar aggregate classification (germline): Uncertain significance (1 of 4 stars; one submission).

Conditions:
Inborn genetic diseases. Identifiers: MedGen C0950123, MeSH D030342.

gnomAD v4.1: 2 of 1,613,994 alleles (0.00012%); highest among the groups gnomAD compares: Non-Finnish European, 0.000085%; no homozygotes.

Submission:

Ambry Genetics
Classification: Uncertain significance for Inborn genetic diseases. Last evaluated: 2025-03-28. Review status: criteria provided, single submitter. Criteria: Ambry Variant Classification Scheme 2023. Collection method: clinical testing. Allele origin: germline.
Comment: The p.K49N variant (also known as c.147G>T), located in coding exon 2 of the ERCC6L2 gene, results from a G to T substitution at nucleotide position 147. The lysine at codon 49 is replaced by asparagine, an amino acid with similar properties. This amino acid position is conserved. In addition, this alteration is predicted to be tolerated by in silico analysis. Based on the available evidence, the clinical significance of this variant remains unclear.